The following is an entry in ClinVar:

ClinVar aggregate classification (germline): Conflicting classifications of pathogenicity. Review status: criteria provided, conflicting classifications (1 of 4 stars). 8 submissions from 8 submitters: Uncertain significance (1); Likely benign (7). Last evaluated 2026-04-17.

Conditions:
Cutis laxa, autosomal recessive, type 1B (ARCL1B). Also called: CUTIS LAXA, AUTOSOMAL RECESSIVE, TYPE IB; EFEMP2-Related Cutis Laxa. Identifiers: Orphanet 90349, MedGen C3280798, MONDO:0013754, OMIM 614437. Disease mechanism: loss of function.
Cardiovascular phenotype. Identifiers: MedGen CN230736.
EFEMP2-related disorder. Also called: EFEMP2-related condition.

Allele frequency attached by ClinVar (database versions not stated): TOPMed 0.00004; gnomAD 0.00005 and 0.00006; gnomAD exomes 0.00010; ExAC 0.00012.
gnomAD v4.1: 82 of 1,613,996 alleles (0.0051%); highest among the groups gnomAD compares: Non-Finnish European, 0.0064%; no homozygotes.

Submissions (8):

PreventionGenetics, part of Exact Sciences
Classification: Likely benign for EFEMP2-related condition. Last evaluated: 2026-04-17. Review status: criteria provided, single submitter. Criteria: ACMG Guidelines, 2015. Collection method: clinical testing. Allele origin: germline.
Comment: This variant is classified as likely benign based on ACMG/AMP sequence variant interpretation guidelines (Richards et al. 2015 PMID: 25741868, with internal and published modifications).

Labcorp Genetics (formerly Invitae), Labcorp
Classification: Likely benign for Cutis laxa, autosomal recessive, type 1B. Last evaluated: 2025-09-26. Review status: criteria provided, single submitter. Criteria: Invitae Variant Classification Sherloc (09022015). Collection method: clinical testing. Allele origin: germline.

Blueprint Genetics
Classification: Likely benign. Last evaluated: 2024-11-08. Review status: criteria provided, single submitter. Criteria: ACMG Guidelines, 2015. Collection method: clinical testing. Allele origin: germline.

Women's Health and Genetics/Laboratory Corporation of America, LabCorp
Classification: Likely benign. Last evaluated: 2024-05-20. Review status: criteria provided, single submitter. Criteria: LabCorp Variant Classification Summary - May 2015. Collection method: clinical testing. Allele origin: germline.

CeGaT Center for Human Genetics Tuebingen
Classification: Likely benign. Last evaluated: 2024-02-01. Review status: criteria provided, single submitter. Criteria: CeGaT Center For Human Genetics Tuebingen Variant Classification Criteria Version 2. Collection method: clinical testing. Allele origin: germline. Affected: yes. Observed: 1 variant allele.
Comment: EFEMP2: BP4, BP7

Ambry Genetics
Classification: Likely benign for Cardiovascular phenotype. Last evaluated: 2022-09-05. Review status: criteria provided, single submitter. Criteria: Ambry Variant Classification Scheme 2023. Collection method: clinical testing. Allele origin: germline.

GeneDx
Classification: Likely benign. Last evaluated: 2019-11-22. Review status: criteria provided, single submitter. Criteria: GeneDx Variant Classification Process June 2021. Collection method: clinical testing. Allele origin: germline. Affected: yes.

Illumina Laboratory Services, Illumina
Classification: Uncertain significance for Cutis laxa, autosomal recessive, type 1B. Last evaluated: 2018-01-13. Review status: criteria provided, single submitter. Criteria: ICSL Variant Classification Criteria 13 December 2019. Collection method: clinical testing. Allele origin: germline.

NM_016938.5(EFEMP2):c.363T>C (p.Cys121=)

Gene: EFEMP2 (EGF-like fibulin extracellular matrix protein 2; minus strand). Cytogenetic location: 11q13.1.
Variant type: single nucleotide variant.
Coding change: c.363T>C on transcript NM_016938.5 (MANE Select); coding-DNA position 363, T replaced by C.
Protein change: p.Cys121=; no amino-acid change (cysteine 121 retained).
Molecular consequence: synonymous variant. On other transcripts: non-coding transcript variant (1).
Genome position (GRCh38, 1-based): chr11:65,871,161, A>G on the plus strand (T>C on the coding strand, the complement: EFEMP2 is on the minus strand). VCF-style: chr11-65871161-A-G. GRCh37 (hg19) VCF-style: chr11-65638632-A-G.
Identifiers: ClinVar variation 703835 (VCV000703835.47), dbSNP rs746343857, ClinGen allele CA6110703.